The following is an entry in ClinVar:

NM_000089.4(COL1A2):c.1350+3A>G

Gene: COL1A2 (collagen type I alpha 2 chain; plus strand). Cytogenetic location: 7q21.3.
Variant type: single nucleotide variant.
Coding change: c.1350+3A>G on transcript NM_000089.4 (MANE Select); 3 bases into the intron after coding-DNA position 1350, A replaced by G.
Molecular consequence: intron variant.
Genome position (GRCh38, 1-based): chr7:94,411,157, A>G. VCF-style: chr7-94411157-A-G. GRCh37 (hg19) VCF-style: chr7-94040469-A-G.
Identifiers: ClinVar variation 3030367 (VCV003030367.4), dbSNP rs1372219638, ClinGen allele CA456488707.

ClinVar aggregate classification (germline): Uncertain significance. Review status: criteria provided, single submitter (1 of 4 stars). 2 submissions from 2 submitters: Uncertain significance (1). 1 of the submissions does not count toward it. Last evaluated 2024-02-17.

Conditions:
Osteogenesis imperfecta type I (OI1). Also called: Lobstein disease; OI, TYPE I; OSTEOGENESIS IMPERFECTA TARDA; OSTEOGENESIS IMPERFECTA WITH BLUE SCLERAE; Osteogenesis imperfecta type 1; Lobstein's Disease. Identifiers: Orphanet 216796, Orphanet 666, MedGen C0023931, MONDO:0008146, OMIM 166200. Disease mechanism: loss of function.
Ehlers-Danlos syndrome, classic type, 1 (EDSCL1). Also called: EDS I; EHLERS-DANLOS SYNDROME, GRAVIS TYPE; EHLERS-DANLOS SYNDROME, SEVERE CLASSIC TYPE; Ehlers-Danlos syndrome, type 1; Ehlers-Danlos Syndrome, Classic Type, COL5A1-Related. Identifiers: MedGen C0268335, MONDO:0019567, OMIM 130000.
COL1A2-related disorder. Also called: COL1A2-related condition; COL1A2-Related Disorders.

Submissions (2):

Labcorp Genetics (formerly Invitae), Labcorp
Classification: Uncertain significance for Osteogenesis imperfecta type I; Ehlers-Danlos syndrome, classic type, 1. Last evaluated: 2024-02-17. Review status: criteria provided, single submitter. Criteria: Invitae Variant Classification Sherloc (09022015). Collection method: clinical testing. Allele origin: germline.
Comment: This sequence change falls in intron 23 of the COL1A2 gene. It does not directly change the encoded amino acid sequence of the COL1A2 protein. It affects a nucleotide within the consensus splice site. This variant is not present in population databases (gnomAD no frequency). This variant has not been reported in the literature in individuals affected with COL1A2-related conditions. Variants that disrupt the consensus splice site are a relatively common cause of aberrant splicing (PMID: 17576681, 9536098). Algorithms developed to predict the effect of sequence changes on RNA splicing suggest that this variant is not likely to affect RNA splicing. In summary, the available evidence is currently insufficient to determine the role of this variant in disease. Therefore, it has been classified as a Variant of Uncertain Significance.

PreventionGenetics, part of Exact Sciences
Classification: Likely benign for COL1A2-related condition. Last evaluated: 2021-01-05. Review status: no assertion criteria provided. Collection method: clinical testing. Allele origin: germline. Not counted in ClinVar's aggregate classification.
Comment: This variant is classified as likely benign based on ACMG/AMP sequence variant interpretation guidelines (Richards et al. 2015 PMID: 25741868, with internal and published modifications).

Literature cited by the submitters: PubMed 17576681 (cited by Labcorp Genetics (formerly Invitae), Labcorp); PubMed 9536098 (cited by Labcorp Genetics (formerly Invitae), Labcorp).